The following is an entry in ClinVar:

ClinVar aggregate classification (germline): Pathogenic. Review status: reviewed by expert panel (3 of 4 stars). 7 submissions from 7 submitters: Pathogenic (1). 6 of the submissions do not count toward it. Last evaluated 2017-12-15.

Conditions:
Hereditary cancer-predisposing syndrome. Also called: Tumor predisposition; Neoplastic Syndromes, Hereditary; Hereditary Cancer Syndrome; Hereditary neoplastic syndrome. Identifiers: Orphanet 140162, MedGen C0027672, MeSH D009386, MONDO:0015356.
Hereditary breast ovarian cancer syndrome. Also called: Hereditary breast and ovarian cancer syndrome (HBOC); Hereditary breast and ovarian cancer syndrome; Hereditary breast and ovarian cancer; Hereditary breast and/or ovarian cancer syndrome; Breast and ovarian cancer; BRCA1- and BRCA2-Associated Hereditary Breast and Ovarian Cancer. Identifiers: Orphanet 145, MedGen C0677776, MeSH D061325, MONDO:0003582. Disease mechanism: loss of function.
Breast-ovarian cancer, familial, susceptibility to, 1 (BROVCA1). Also called: OVARIAN CANCER, SUSCEPTIBILITY TO; BRCA1 Hereditary Breast and Ovarian Cancer. Identifiers: Orphanet 145, MedGen C2676676, MONDO:0011450, OMIM 604370. Disease mechanism: loss of function.
Familial cancer of breast. Also called: Hereditary breast cancer; hereditary breast carcinoma; BREAST CANCER, FAMILIAL. Identifiers: Orphanet 227535, MedGen C0346153, MONDO:0016419, OMIM 114480. Disease mechanism: loss of function.

Submissions (7):

Evidence-based Network for the Interpretation of Germline Mutant Alleles (ENIGMA)
Classification: Pathogenic for Breast-ovarian cancer, familial, susceptibility to, 1. Last evaluated: 2017-12-15. Review status: reviewed by expert panel. Criteria: ENIGMA BRCA1/2 Classification Criteria (2017-06-29). Collection method: curation. Allele origin: germline. Study: ENIGMA.
Comment: Variant allele predicted to encode a truncated non-functional protein.

Women's Health and Genetics/Laboratory Corporation of America, LabCorp
Classification: Pathogenic for Hereditary breast ovarian cancer syndrome. Last evaluated: 2024-03-21. Review status: criteria provided, single submitter. Criteria: LabCorp Variant Classification Summary - May 2015. Collection method: clinical testing. Allele origin: germline. Not counted in ClinVar's aggregate classification.
Comment: Variant summary: BRCA1 c.178_179delCA (p.Gln60ValfsX5) results in a premature termination codon, predicted to cause a truncation of the encoded protein or absence of the protein due to nonsense mediated decay, which are commonly known mechanisms for disease. The variant was absent in 250812 control chromosomes. c.178_179delCA has been reported in the literature in individuals affected with Hereditary Breast And Ovarian Cancer Syndrome (e.g. Wang_2015). To our knowledge, no experimental evidence demonstrating an impact on protein function has been reported. The following publication has been ascertained in the context of this evaluation (PMID: 25480878). ClinVar contains an entry for this variant (Variation ID: 54350). Based on the evidence outlined above, the variant was classified as pathogenic.

Baylor Genetics
Classification: Pathogenic for Breast-ovarian cancer, familial, susceptibility to, 1. Last evaluated: 2022-06-16. Review status: criteria provided, single submitter. Criteria: ACMG Guidelines, 2015. Collection method: clinical testing. Allele origin: unknown. Not counted in ClinVar's aggregate classification.

Color Diagnostics, LLC DBA Color Health
Classification: Pathogenic for Hereditary cancer-predisposing syndrome. Last evaluated: 2020-08-17. Review status: criteria provided, single submitter. Criteria: ACMG Guidelines, 2015. Collection method: clinical testing. Allele origin: germline. Not counted in ClinVar's aggregate classification.
Comment: This variant deletes 2 nucleotides in exon 4 of the BRCA1 gene, creating a frameshift and premature translation stop signal. This variant is expected to result in an absent or non-functional protein product. This variant has been reported in an individual affected with familial breast and/or ovarian cancer (PMID: 19805903). This variant has not been identified in the general population by the Genome Aggregation Database (gnomAD). Loss of BRCA1 function is a known mechanism of disease. Based on the available evidence, this variant is classified as Pathogenic.

Ambry Genetics
Classification: Pathogenic for Hereditary cancer-predisposing syndrome. Last evaluated: 2019-07-23. Review status: criteria provided, single submitter. Criteria: Ambry Variant Classification Scheme 2023. Collection method: clinical testing. Allele origin: germline. Not counted in ClinVar's aggregate classification.
Comment: The c.178_179delCA pathogenic mutation, located in coding exon 3 of the BRCA1 gene, results from a deletion of two nucleotides at nucleotide positions 178 to 179, causing a translational frameshift with a predicted alternate stop codon (p.Q60Vfs*5). Designated as 295delCA, this mutation was identified in an Indian HBOC cohort (Vaidyanathan K et al. J. Biosci., 2009 Sep;34:415-22). In addition to the clinical data presented in the literature, this alteration is expected to result in loss of function by premature protein truncation or nonsense-mediated mRNA decay. As such, this alteration is interpreted as a disease-causing mutation.

Labcorp Genetics (formerly Invitae), Labcorp
Classification: Pathogenic for Hereditary breast ovarian cancer syndrome. Last evaluated: 2017-05-19. Review status: criteria provided, single submitter. Criteria: Invitae Variant Classification Sherloc (09022015). Collection method: clinical testing. Allele origin: germline. Not counted in ClinVar's aggregate classification.
Comment: For these reasons, this variant has been classified as Pathogenic. Loss-of-function variants in BRCA1 are known to be pathogenic (PMID: 20104584). This variant has been reported in individuals affected breast and/or ovarian cancer (PMID: 1980590, 20104584). This variant is also known as 295delCA in the literature. ClinVar contains an entry for this variant (Variation ID: 54350). This variant is not present in population databases (ExAC no frequency). This sequence change creates a premature translational stop signal (p.Gln60Valfs*5) in the BRCA1 gene. It is expected to result in an absent or disrupted protein product.

ClinVar Staff, National Center for Biotechnology Information (NCBI)
No classification provided. Condition: Familial cancer of breast. Review status: no classification provided. Collection method: literature only. Allele origin: germline. Affected: yes. Not counted in ClinVar's aggregate classification.

Literature cited by the submitters: PubMed 25480878 (cited by Women's Health and Genetics/Laboratory Corporation of America, LabCorp); PubMed 19805903 (cited by Ambry Genetics and ClinVar Staff, National Center for Biotechnology Information (NCBI)); PubMed 20104584 (cited by Labcorp Genetics (formerly Invitae), Labcorp); PubMed 1980590 (cited by Labcorp Genetics (formerly Invitae), Labcorp).

NM_007294.4(BRCA1):c.178_179del (p.Gln60fs)

Gene: BRCA1 (BRCA1 DNA repair associated; minus strand). Cytogenetic location: 17q21.31.
Variant type: Microsatellite.
Coding change: c.178_179del on transcript NM_007294.4 (MANE Select); coding-DNA positions 178 to 179, 2 bases deleted (CA; older notation c.178_179delCA).
Protein change: p.Gln60fs; shifts the reading frame from glutamine 60.
Molecular consequence: frameshift variant. On other transcripts: non-coding transcript variant (1).
Genome position (GRCh38, 1-based): chr17:43,106,489-43,106,490, TG deleted on the plus strand (CA on the coding strand, the reverse complement: BRCA1 is on the minus strand); deleting any 2 consecutive bases within chr17:43,106,489-43,106,492 gives the same sequence; the c. name uses the placement nearest the transcript's 3' end. VCF-style (leftmost placement, unchanged base first): chr17-43106488-CTG-C. GRCh37 (hg19) VCF-style: chr17-41258505-CTG-C.
Other names: c.178_179del (NM_007294.3); c.178_179delCA (NM_007294.3); c.-13_-12CA[1] (NM_001407571.1, NM_001407853.1, NM_001407879.1 and 58 more transcripts); c.176_177CA[1], p.Gln60Valfs (NM_001407581.1, NM_001407582.1, NM_001407583.1 and 167 more transcripts); c.35_36CA[1], p.Gln13Valfs (NM_001407692.1, NM_001407694.1, NM_001407695.1 and 98 more transcripts); c.37_38del, p.Gln13fs (NM_007297.4); c.178_179del, p.Gln60fs (NM_007299.4, NM_007300.4); short protein forms Q13fs, Q60fs.
Identifiers: ClinVar variation 54350 (VCV000054350.16), dbSNP rs397508907, ClinGen allele CA001157.
Genomic context (GRCh38, chr17:43,106,488, plus strand): 5'-AACCTAGCATCATTACCAAATTATATACCTTTTGGTTATATCATTCTTACATAAAGGACA[CTG>C]TGAAGGCCCTTTCTTCTGGTTGAGAAGTTTCAGCATGCAAAATCTATAAATTATAAAGAA-3'